The following is an entry in ClinVar:

NM_014946.4(SPAST):c.*1962A>G

Gene: SPAST (spastin; plus strand). Cytogenetic location: 2p22.3.
Variant type: single nucleotide variant.
Coding change: c.*1962A>G on transcript NM_014946.4 (MANE Select); 1962 bases downstream of the stop codon, A replaced by G.
Molecular consequence: 3 prime UTR variant.
Genome position (GRCh38, 1-based): chr2:32,156,458, A>G. VCF-style: chr2-32156458-A-G. GRCh37 (hg19) VCF-style: chr2-32381527-A-G.
Other names: c.*1962A>G (NM_001363823.2, NM_001363875.2, NM_199436.2); c.*2086A>G (NM_001377959.1).
Identifiers: ClinVar variation 335871 (VCV000335871.6), dbSNP rs187724468, ClinGen allele CA10615127.

ClinVar aggregate classification (germline): Benign. Review status: criteria provided, multiple submitters, no conflicts (2 of 4 stars). 2 submissions from 2 submitters: Benign (2). Last evaluated 2018-01-12.

Conditions:
Hereditary spastic paraplegia 4. Also called: Spastic paraplegia 4, autosomal dominant; Spastic Paraplegia 4; Familial spastic paraplegia autosomal dominant 2. Identifiers: Orphanet 100985, MedGen C1866855, MONDO:0008438, OMIM 182601.

Allele frequency attached by ClinVar (database versions not stated): gnomAD 0.00968 and 0.01019; 1000 Genomes Project 0.01038; 1000 Genomes Project 30x 0.01046; TOPMed 0.01170.

Submissions (2):

Illumina Laboratory Services, Illumina
Classification: Benign for Hereditary spastic paraplegia 4. Last evaluated: 2018-01-12. Review status: criteria provided, single submitter. Criteria: ICSL Variant Classification Criteria 13 December 2019. Collection method: clinical testing. Allele origin: germline.
Comment: This variant was observed in the ICSL laboratory as part of a predisposition screen in an ostensibly healthy population. It had not been previously curated by ICSL or reported in the Human Gene Mutation Database (HGMD: prior to June 1st, 2018), and was therefore a candidate for classification through an automated scoring system. Utilizing variant allele frequency, disease prevalence and penetrance estimates, and inheritance mode, an automated score was calculated to assess if this variant is too frequent to cause the disease. Based on the score and internal cut-off values, a variant classified as benign is not then subjected to further curation. The score for this variant resulted in a classification of benign for this disease.

Breakthrough Genomics
Classification: Benign. Review status: criteria provided, single submitter. Criteria: ACMG Guidelines, 2015. Collection method: not provided. Allele origin: germline. Inheritance: Autosomal dominant inheritance. Affected: yes.